The following is an entry in ClinVar:

ClinVar aggregate classification (germline): Likely pathogenic (1 of 4 stars; one submission).

Submission:

Labcorp Genetics (formerly Invitae), Labcorp
Classification: Likely pathogenic. Last evaluated: 2019-05-27. Review status: criteria provided, single submitter. Criteria: Invitae Variant Classification Sherloc (09022015). Collection method: clinical testing. Allele origin: germline.
Comment: This sequence change affects a donor splice site in intron 4 of the USH2A gene. It is expected to disrupt RNA splicing and likely results in an absent or disrupted protein product. This variant is not present in population databases (ExAC no frequency). This variant has not been reported in the literature in individuals with USH2A-related conditions. Donor and acceptor splice site variants typically lead to a loss of protein function (PMID: 16199547), and loss-of-function variants in USH2A are known to be pathogenic (PMID: 10729113, 10909849, 20507924, 25649381). In summary, the currently available evidence indicates that the variant is pathogenic, but additional data are needed to prove that conclusively. Therefore, this variant has been classified as Likely Pathogenic. Algorithms developed to predict the effect of sequence changes on RNA splicing suggest that this variant may disrupt the consensus splice site, but this prediction has not been confirmed by published transcriptional studies.

Literature cited by the submitters: PubMed 16199547; PubMed 10729113; PubMed 10909849; PubMed 20507924; PubMed 25649381.

NM_206933.4(USH2A):c.784+2T>C

Gene: USH2A (usherin; minus strand). Cytogenetic location: 1q41.
Variant type: single nucleotide variant.
Coding change: c.784+2T>C on transcript NM_206933.4 (MANE Select); the canonical splice donor site of the intron after coding-DNA position 784, T replaced by C.
Molecular consequence: splice donor variant.
Genome position (GRCh38, 1-based): chr1:216,364,951, A>G on the plus strand (T>C on the coding strand, the complement: USH2A is on the minus strand). VCF-style: chr1-216364951-A-G. GRCh37 (hg19) VCF-style: chr1-216538293-A-G.
Other names: c.784+2T>C (NM_007123.6).
Identifiers: ClinVar variation 838121 (VCV000838121.8), dbSNP rs2038566039, ClinGen allele CA344907474.
Genomic context (GRCh38, chr1:216,364,951, plus strand): 5'-ATGCATTTTTAAGAACAATGTAATTGGATGAAATAAATAACATTCTGAAGTCAGAAACTT[A>G]CCATTTAAACTCTGTCCTATTTGCACAGTACCAGATGCAAAATCTGTAATTGAACCACTT-3'